The following is an entry in ClinVar:

NM_018847.4(KLHL9):c.1103_1104del (p.Thr368fs)

Gene: KLHL9 (kelch like family member 9; minus strand). Cytogenetic location: 9p21.3.
Variant type: Deletion.
Coding change: c.1103_1104del on transcript NM_018847.4 (MANE Select); coding-DNA positions 1103 to 1104, 2 bases deleted (CA; older notation c.1103_1104delCA).
Protein change: p.Thr368fs; shifts the reading frame from threonine 368.
Molecular consequence: frameshift variant.
Genome position (GRCh38, 1-based): chr9:21,333,756-21,333,757, TG deleted on the plus strand (CA on the coding strand, the reverse complement: KLHL9 is on the minus strand); deleting any 2 consecutive bases within chr9:21,333,756-21,333,758 gives the same sequence; the c. name uses the placement nearest the transcript's 3' end. VCF-style (leftmost placement, unchanged base first): chr9-21333755-CTG-C. GRCh37 (hg19) VCF-style: chr9-21333754-CTG-C.
Other names: short protein forms T368fs.
Identifiers: ClinVar variation 2192296 (VCV002192296.2), dbSNP rs767566812, ClinGen allele CA5010547.

ClinVar aggregate classification (germline): Uncertain significance (1 of 4 stars; one submission).

Submission:

Labcorp Genetics (formerly Invitae), Labcorp
Classification: Uncertain significance. Last evaluated: 2025-06-27. Review status: criteria provided, single submitter. Criteria: Invitae Variant Classification Sherloc (09022015). Collection method: clinical testing. Allele origin: germline.
Comment: This sequence change creates a premature translational stop signal (p.Thr368Serfs*5) in the KLHL9 gene. While this is not anticipated to result in nonsense mediated decay, it is expected to disrupt the last 250 amino acid(s) of the KLHL9 protein. This variant is present in population databases (rs767566812, gnomAD 0.004%). This variant has not been reported in the literature in individuals affected with KLHL9-related conditions. ClinVar contains an entry for this variant (Variation ID: 2192296). Experimental studies and prediction algorithms are not available or were not evaluated, and the functional significance of this variant is currently unknown. In summary, the available evidence is currently insufficient to determine the role of this variant in disease. Therefore, it has been classified as a Variant of Uncertain Significance.